The following is an entry in ClinVar:

NM_000179.3(MSH6):c.1235del (p.Lys412fs)

Gene: MSH6 (mutS homolog 6; plus strand). Cytogenetic location: 2p16.3.
Variant type: Deletion.
Coding change: c.1235del on transcript NM_000179.3 (MANE Select); coding-DNA position 1235, one base deleted (A; older notation c.1235delA).
Protein change: p.Lys412fs; shifts the reading frame from lysine 412.
Molecular consequence: frameshift variant.
Genome position (GRCh38, 1-based): chr2:47,799,218, A deleted; the last of 2 consecutive A bases (chr2:47,799,217-47,799,218); deleting either gives the same sequence. VCF-style (leftmost placement, unchanged base first): chr2-47799216-GA-G. GRCh37 (hg19) VCF-style: chr2-48026355-GA-G.
Other names: c.845del, p.Lys282fs (NM_001281492.2); c.329del, p.Lys110fs (NM_001281493.2, NM_001281494.2); c.1331delA, p.Lys444Serfs (NM_001406795.1, NM_001406802.1); c.1235delA, p.Lys412Serfs (NM_001406796.1, NM_001406798.1, NM_001406800.1 and 4 more transcripts); c.938delA, p.Lys313Serfs (NM_001406797.1, NM_001406801.1, NM_001406805.1 and 10 more transcripts); c.710delA, p.Lys237Serfs (NM_001406799.1, NM_001406806.1, NM_001406807.1); c.1157delA, p.Lys386Serfs (NM_001406804.1); c.329delA, p.Lys110Serfs (NM_001406811.1, NM_001406812.1, NM_001406814.1 and 4 more transcripts); and 2 more; short protein forms K110fs, K412fs, K282fs.
Identifiers: ClinVar variation 1756678 (VCV001756678.2), dbSNP rs2530598362, ClinGen allele CA2580067530.
Genomic context (GRCh38, chr2:47,799,216, plus strand): 5'-TGATGCATCTACACTCTATGTGCCTGAGGATTTCCTCAATTCTTGTACTCCTGGGATGAG[GA>G]AGTGGTGGCAGATTAAGTCTCAGAACTTTGATCTTGTCATCTGTTACAAGGTGGGGAAAT-3'

ClinVar aggregate classification (germline): Pathogenic (1 of 4 stars; one submission).

Conditions:
Hereditary cancer-predisposing syndrome. Also called: Neoplastic Syndromes, Hereditary; Tumor predisposition; Hereditary Cancer Syndrome; Hereditary neoplastic syndrome. Identifiers: Orphanet 140162, MedGen C0027672, MeSH D009386, MONDO:0015356.

Submission:

Ambry Genetics
Classification: Pathogenic for Hereditary cancer-predisposing syndrome. Last evaluated: 2022-08-10. Review status: criteria provided, single submitter. Criteria: Ambry Variant Classification Scheme 2023. Collection method: clinical testing. Allele origin: germline.
Comment: The c.1235delA pathogenic mutation, located in coding exon 4 of the MSH6 gene, results from a deletion of one nucleotide at nucleotide position 1235, causing a translational frameshift with a predicted alternate stop codon (p.K412Sfs*41). This alteration is expected to result in loss of function by premature protein truncation or nonsense-mediated mRNA decay. As such, this alteration is interpreted as a disease-causing mutation.